The following is an entry in ClinVar:

ClinVar aggregate classification (germline): Likely benign (1 of 4 stars; one submission).

Conditions:
Immunodeficiency-centromeric instability-facial anomalies syndrome 1 (ICF1). Identifiers: Orphanet 2268, MedGen C4551557, MONDO:0009454, OMIM 242860.

Allele frequency attached by ClinVar (database versions not stated): 1000 Genomes Project 0.00319; 1000 Genomes Project 30x 0.00328; TOPMed 0.00342; gnomAD 0.00406 and 0.00421; gnomAD exomes 0.00523.
gnomAD v4.1: 1,039 of 227,374 alleles (0.46%); highest among the groups gnomAD compares: Middle Eastern, 1.3%; 5 homozygotes.

Submission:

Illumina Laboratory Services, Illumina
Classification: Likely benign for Immunodeficiency-centromeric instability-facial anomalies syndrome 1. Last evaluated: 2018-01-12. Review status: criteria provided, single submitter. Criteria: ICSL Variant Classification Criteria 13 December 2019. Collection method: clinical testing. Allele origin: germline.
Comment: This variant was observed in the ICSL laboratory as part of a predisposition screen in an ostensibly healthy population. It had not been previously curated by ICSL or reported in the Human Gene Mutation Database (HGMD: prior to June 1st, 2018), and was therefore a candidate for classification through an automated scoring system. Utilizing variant allele frequency, disease prevalence and penetrance estimates, and inheritance mode, an automated score was calculated to assess if this variant is too frequent to cause the disease. Based on the score and internal cut-off values, a variant classified as likely benign is not then subjected to further curation. The score for this variant resulted in a classification of likely benign for this disease.

NM_006892.4(DNMT3B):c.*942A>T

Gene: DNMT3B (DNA methyltransferase 3 beta; plus strand). Cytogenetic location: 20q11.21.
Variant type: single nucleotide variant.
Coding change: c.*942A>T on transcript NM_006892.4 (MANE Select); 942 bases downstream of the stop codon, A replaced by T.
Molecular consequence: 3 prime UTR variant.
Genome position (GRCh38, 1-based): chr20:32,808,845, A>T. VCF-style: chr20-32808845-A-T. GRCh37 (hg19) VCF-style: chr20-31396651-A-T.
Other names: c.*942A>T (NM_001207055.2, NM_001207056.2, NM_175848.2 and 2 more transcripts).
Identifiers: ClinVar variation 338198 (VCV000338198.5), dbSNP rs55901282, ClinGen allele CA10653074.